The following is an entry in ClinVar:

NM_020987.5(ANK3):c.12325G>T (p.Ala4109Ser)

Gene: ANK3 (ankyrin 3; minus strand). Cytogenetic location: 10q21.2.
Variant type: single nucleotide variant.
Coding change: c.12325G>T on transcript NM_020987.5 (MANE Select); coding-DNA position 12325, G replaced by T.
Protein change: p.Ala4109Ser; replaces alanine 4109 with serine.
Molecular consequence: missense variant.
Genome position (GRCh38, 1-based): chr10:60,064,283, C>A on the plus strand (G>T on the coding strand, the complement: ANK3 is on the minus strand). VCF-style: chr10-60064283-C-A. GRCh37 (hg19) VCF-style: chr10-61824041-C-A.
Other names: c.1888G>T, p.Ala630Ser (NM_001149.4); c.4468G>T, p.Ala1490Ser (NM_001204403.2); c.4489G>T, p.Ala1497Ser (NM_001204404.2); c.4486G>T, p.Ala1496Ser (NM_001320874.2); short protein forms A1490S, A4109S, A1496S, A1497S, A630S.
Identifiers: ClinVar variation 451775 (VCV000451775.2), dbSNP rs1554852167, ClinGen allele CA376994758.

ClinVar aggregate classification (germline): Uncertain significance (1 of 4 stars; one submission).

Submission:

GeneDx
Classification: Uncertain significance. Last evaluated: 2017-09-13. Review status: criteria provided, single submitter. Criteria: GeneDx Variant Classification (06012015). Collection method: clinical testing. Allele origin: germline. Affected: yes.
Comment: The A4109S variant in the ANK3 gene has not been reported previously as a pathogenic variant, nor as a benign variant, to our knowledge. The A4109S variant is not observed in large population cohorts (Lek et al., 2016; 1000 Genomes Consortium et al., 2015; Exome Variant Server). The A4109S variant is a non-conservative amino acid substitution, which is likely to impact secondary protein structure as these residues differ in polarity, charge, size and/or other properties. This substitution occurs at a position that is conserved across species. In silico analysis predicts this variant is probably damaging to the protein structure/function. We interpret A4109S as a variant of uncertain significance